The following is an entry in ClinVar:

ClinVar aggregate classification (germline): Uncertain significance. Review status: criteria provided, multiple submitters, no conflicts (2 of 4 stars). 3 submissions from 3 submitters: Uncertain significance (3). Last evaluated 2024-03-11.

Conditions:
Familial dysfibrinogenemia. Also called: Dysfibrinogenemia, congenital. Identifiers: Orphanet 335, Orphanet 98881, MedGen C0272350, MONDO:0014452, OMIM 616004.
Congenital afibrinogenemia. Identifiers: Orphanet 335, Orphanet 98880, MedGen C2584774, MONDO:0008737, OMIM 202400.
Familial visceral amyloidosis, Ostertag type (AMYLD2). Also called: AMYLOIDOSIS VIII; Ostertag type amyloidosis; Familial visceral amyloidosis; AMYLOIDOSIS, HEREDITARY SYSTEMIC 2; Amyloidosis, hepatic and systemic; Hereditary Renal Amyloidosis. Identifiers: Orphanet 85450, MedGen C0268389, MONDO:0007099, OMIM 105200.

gnomAD v4.1: 175 of 1,614,062 alleles (0.011%); highest among the groups gnomAD compares: Middle Eastern, 0.033%; no homozygotes.

Submissions (3):

Fulgent Genetics
Classification: Uncertain significance for Familial visceral amyloidosis, Ostertag type; Congenital afibrinogenemia; Familial dysfibrinogenemia. Last evaluated: 2024-03-11. Review status: criteria provided, single submitter. Criteria: ACMG Guidelines, 2015. Collection method: clinical testing. Allele origin: germline.

Department of Pathology and Laboratory Medicine, Sinai Health System
Classification: Uncertain significance for Familial visceral amyloidosis, Ostertag type; Congenital afibrinogenemia. Last evaluated: 2023-05-16. Review status: criteria provided, single submitter. Criteria: ACMG Guidelines, 2015. Collection method: research. Allele origin: germline.

Genetic Services Laboratory, University of Chicago
Classification: Uncertain significance. Last evaluated: 2023-02-27. Review status: criteria provided, single submitter. Criteria: ACMG Guidelines, 2015. Collection method: clinical testing. Allele origin: germline. Affected: no.
Comment: DNA sequence analysis of the FGA gene demonstrated a sequence change, c.1633G>A, in exon 5 that results in an amino acid change, p.Glu545Lys. This sequence change has been previously described in individuals with renal amyloidosis (PMID: 25044787, 29142973). This sequence change has been described in the gnomAD database with a frequency of 0.17% in the Ashkenazi Jewish subpopulation (dbSNP rs146737896). The p.Glu545Lys change affects a poorly conserved amino acid residue located in a domain of the FGA protein that is not known to be functional. In-silico pathogenicity prediction tools (SIFT, PolyPhen2, Align GVGD, REVEL) provide contradictory results for the p.Glu545Lys substitution. Due to insufficient evidence and the lack of functional studies, the clinical significance of the p.Glu545Lys change remains unknown at this time.

NM_021871.4(FGA):c.1633G>A (p.Glu545Lys)

Gene: FGA (fibrinogen alpha chain; minus strand). Cytogenetic location: 4q31.3.
Variant type: single nucleotide variant.
Coding change: c.1633G>A on transcript NM_021871.4 (MANE Select); coding-DNA position 1633, G replaced by A.
Protein change: p.Glu545Lys; replaces glutamic acid 545 with lysine.
Molecular consequence: missense variant.
Genome position (GRCh38, 1-based): chr4:154,585,796, C>T on the plus strand (G>A on the coding strand, the complement: FGA is on the minus strand). VCF-style: chr4-154585796-C-T. GRCh37 (hg19) VCF-style: chr4-155506948-C-T.
Other names: c.1633G>A (NM_021871.3); c.1633G>A, p.Glu545Lys (NM_000508.5); short protein forms E545K.
Identifiers: ClinVar variation 3590313 (VCV003590313.4).